The following is an entry in ClinVar:

NM_014874.4(MFN2):c.2156A>G (p.Lys719Arg)

Gene: MFN2 (mitofusin 2; plus strand). Cytogenetic location: 1p36.22.
Variant type: single nucleotide variant.
Coding change: c.2156A>G on transcript NM_014874.4 (MANE Select); coding-DNA position 2156, A replaced by G.
Protein change: p.Lys719Arg; replaces lysine 719 with arginine.
Molecular consequence: missense variant.
Genome position (GRCh38, 1-based): chr1:12,009,678, A>G. VCF-style: chr1-12009678-A-G. GRCh37 (hg19) VCF-style: chr1-12069735-A-G.
Other names: c.2156A>G, p.Lys719Arg (NM_001127660.2); short protein forms K719R.
Identifiers: ClinVar variation 1424741 (VCV001424741.6), dbSNP rs2100868327, ClinGen allele CA338453239.

ClinVar aggregate classification (germline): Uncertain significance (1 of 4 stars; one submission).

Conditions:
Charcot-Marie-Tooth disease type 2. Also called: Charcot-Marie-Tooth type 2. Identifiers: Orphanet 64746, MedGen C0270914, MONDO:0018993.

Submission:

Labcorp Genetics (formerly Invitae), Labcorp
Classification: Uncertain significance for Charcot-Marie-Tooth disease type 2. Last evaluated: 2022-08-09. Review status: criteria provided, single submitter. Criteria: Invitae Variant Classification Sherloc (09022015). Collection method: clinical testing. Allele origin: germline.
Comment: In summary, the available evidence is currently insufficient to determine the role of this variant in disease. Therefore, it has been classified as a Variant of Uncertain Significance. Algorithms developed to predict the effect of sequence changes on RNA splicing suggest that this variant may create or strengthen a splice site. Advanced modeling of protein sequence and biophysical properties (such as structural, functional, and spatial information, amino acid conservation, physicochemical variation, residue mobility, and thermodynamic stability) performed at Invitae indicates that this missense variant is not expected to disrupt MFN2 protein function. ClinVar contains an entry for this variant (Variation ID: 1424741). This variant has not been reported in the literature in individuals affected with MFN2-related conditions. This variant is not present in population databases (gnomAD no frequency). This sequence change replaces lysine, which is basic and polar, with arginine, which is basic and polar, at codon 719 of the MFN2 protein (p.Lys719Arg).